The following is an entry in ClinVar:

NM_002230.4(JUP):c.1134C>G (p.Asn378Lys)

Gene: JUP (junction plakoglobin; minus strand). Cytogenetic location: 17q21.2.
Variant type: single nucleotide variant.
Coding change: c.1134C>G on transcript NM_002230.4 (MANE Select); coding-DNA position 1134, C replaced by G.
Protein change: p.Asn378Lys; replaces asparagine 378 with lysine.
Molecular consequence: missense variant.
Genome position (GRCh38, 1-based): chr17:41,764,737, G>C on the plus strand (C>G on the coding strand, the complement: JUP is on the minus strand). VCF-style: chr17-41764737-G-C. GRCh37 (hg19) VCF-style: chr17-39920989-G-C.
Other names: c.1134C>G, p.Asn378Lys (NM_001352773.2, NM_001352774.2, NM_001352775.2 and 3 more transcripts); short protein forms N378K.
Identifiers: ClinVar variation 1729269 (VCV001729269.2), dbSNP rs2544127288, ClinGen allele CA399498650.

ClinVar aggregate classification (germline): Uncertain significance (1 of 4 stars; one submission).

Conditions:
Cardiovascular phenotype. Identifiers: MedGen CN230736.

Submission:

Ambry Genetics
Classification: Uncertain significance for Cardiovascular phenotype. Last evaluated: 2021-02-16. Review status: criteria provided, single submitter. Criteria: Ambry Variant Classification Scheme 2023. Collection method: clinical testing. Allele origin: germline.
Comment: The p.N378K variant (also known as c.1134C>G), located in coding exon 6 of the JUP gene, results from a C to G substitution at nucleotide position 1134. The asparagine at codon 378 is replaced by lysine, an amino acid with similar properties. This amino acid position is highly conserved in available vertebrate species. In addition, the in silico prediction for this alteration is inconclusive. Since supporting evidence is limited at this time, the clinical significance of this alteration remains unclear.